The following is an entry in ClinVar:

NM_001291303.3(FAT4):c.2309A>T (p.Asn770Ile)

Gene: FAT4 (FAT atypical cadherin 4; plus strand). Cytogenetic location: 4q28.1.
Variant type: single nucleotide variant.
Coding change: c.2309A>T on transcript NM_001291303.3 (MANE Select); coding-DNA position 2309, A replaced by T.
Protein change: p.Asn770Ile; replaces asparagine 770 with isoleucine.
Molecular consequence: missense variant.
Genome position (GRCh38, 1-based): chr4:125,318,720, A>T. VCF-style: chr4-125318720-A-T. GRCh37 (hg19) VCF-style: chr4-126239875-A-T.
Other names: c.2309A>T, p.Asn770Ile (NM_001291285.3, NM_024582.6); c.2309A>T (NM_024582.4); short protein forms N770I.
Identifiers: ClinVar variation 2720201 (VCV002720201.2), dbSNP rs200550937, ClinGen allele CA3072143.

ClinVar aggregate classification (germline): Uncertain significance. Review status: criteria provided, multiple submitters, no conflicts (2 of 4 stars). 2 submissions from 2 submitters: Uncertain significance (2). Last evaluated 2024-05-28.

Conditions:
Inborn genetic diseases. Identifiers: MedGen C0950123, MeSH D030342.

Allele frequency attached by ClinVar (database versions not stated): ExAC 0.00001; 1000 Genomes Project 30x 0.00016; 1000 Genomes Project 0.00020.
gnomAD v4.1: 15 of 1,614,056 alleles (0.00093%); highest among the groups gnomAD compares: Non-Finnish European, 0.0013%; no homozygotes.

Submissions (2):

Ambry Genetics
Classification: Uncertain significance for Inborn genetic diseases. Last evaluated: 2024-05-28. Review status: criteria provided, single submitter. Criteria: Ambry Variant Classification Scheme 2023. Collection method: clinical testing. Allele origin: germline.

Labcorp Genetics (formerly Invitae), Labcorp
Classification: Uncertain significance. Last evaluated: 2023-03-20. Review status: criteria provided, single submitter. Criteria: Invitae Variant Classification Sherloc (09022015). Collection method: clinical testing. Allele origin: germline.
Comment: This sequence change replaces asparagine, which is neutral and polar, with isoleucine, which is neutral and non-polar, at codon 770 of the FAT4 protein (p.Asn770Ile). In summary, the available evidence is currently insufficient to determine the role of this variant in disease. Therefore, it has been classified as a Variant of Uncertain Significance. Advanced modeling of protein sequence and biophysical properties (such as structural, functional, and spatial information, amino acid conservation, physicochemical variation, residue mobility, and thermodynamic stability) performed at Invitae indicates that this missense variant is not expected to disrupt FAT4 protein function. This variant has not been reported in the literature in individuals affected with FAT4-related conditions. This variant is present in population databases (rs200550937, gnomAD 0.0009%).